The following is an entry in ClinVar:

NM_000088.4(COL1A1):c.1088C>G (p.Ser363Cys)

Gene: COL1A1 (collagen type I alpha 1 chain; minus strand). Cytogenetic location: 17q21.33.
Variant type: single nucleotide variant.
Coding change: c.1088C>G on transcript NM_000088.4 (MANE Select); coding-DNA position 1088, C replaced by G.
Protein change: p.Ser363Cys; replaces serine 363 with cysteine.
Molecular consequence: missense variant.
Genome position (GRCh38, 1-based): chr17:50,195,634, G>C on the plus strand (C>G on the coding strand, the complement: COL1A1 is on the minus strand). VCF-style: chr17-50195634-G-C. GRCh37 (hg19) VCF-style: chr17-48272995-G-C.
Other names: short protein forms S363C.
Identifiers: ClinVar variation 4800894 (VCV004800894.1).

ClinVar aggregate classification (germline): Uncertain significance (1 of 4 stars; one submission).

Conditions:
Osteogenesis imperfecta type I (OI1). Also called: OI, TYPE I; OSTEOGENESIS IMPERFECTA TARDA; OSTEOGENESIS IMPERFECTA WITH BLUE SCLERAE; Lobstein's Disease; Osteogenesis imperfecta type 1; Classic Non-deforming Osteogenesis Imperfecta with Blue Sclerae. Identifiers: Orphanet 216796, Orphanet 666, MedGen C0023931, MONDO:0008146, OMIM 166200. Disease mechanism: loss of function.

Submission:

Labcorp Genetics (formerly Invitae), Labcorp
Classification: Uncertain significance for Osteogenesis imperfecta type I. Last evaluated: 2025-10-21. Review status: criteria provided, single submitter. Criteria: Invitae Variant Classification Sherloc (09022015). Collection method: clinical testing. Allele origin: germline.
Comment: This sequence change replaces serine, which is neutral and polar, with cysteine, which is neutral and slightly polar, at codon 363 of the COL1A1 protein (p.Ser363Cys). This variant is not present in population databases (gnomAD no frequency). This variant has not been reported in the literature in individuals affected with COL1A1-related conditions. Invitae Evidence Modeling of protein sequence and biophysical properties (such as structural, functional, and spatial information, amino acid conservation, physicochemical variation, residue mobility, and thermodynamic stability) has been performed for this missense variant. However, the output from this modeling did not meet the statistical confidence thresholds required to predict the impact of this variant on COL1A1 protein function. In summary, the available evidence is currently insufficient to determine the role of this variant in disease. Therefore, it has been classified as a Variant of Uncertain Significance.